The following is an entry in ClinVar:

ClinVar aggregate classification (germline): Uncertain significance (1 of 4 stars; one submission).

Conditions:
TP53I3-related disorder. Also called: TP53I3-related condition.

gnomAD v4.1: 9 of 1,614,070 alleles (0.00056%); highest among the groups gnomAD compares: Admixed American, 0.015%; no homozygotes.

Submission:

PreventionGenetics, part of Exact Sciences
Classification: Uncertain significance for TP53I3-related condition. Last evaluated: 2025-06-25. Review status: criteria provided, single submitter. Criteria: ACMG Guidelines, 2015. Collection method: clinical testing. Allele origin: germline.
Comment: The TP53I3 c.815A>G variant is predicted to result in the amino acid substitution p.Lys272Arg. To our knowledge, this variant has not been reported in the literature. This variant is reported in 0.026% of alleles in individuals of Latino descent in gnomAD. At this time, the clinical significance of this variant is uncertain due to the absence of conclusive functional and genetic evidence.

NM_004881.5(TP53I3):c.815A>G (p.Lys272Arg)

Genes: FAM228B (family with sequence similarity 228 member B; plus strand), TP53I3 (tumor protein p53 inducible protein 3; minus strand). Cytogenetic location: 2p23.3.
Variant type: single nucleotide variant.
Coding change: c.815A>G on transcript NM_004881.5 (MANE Select); coding-DNA position 815, A replaced by G.
Protein change: p.Lys272Arg; replaces lysine 272 with arginine.
Molecular consequence: missense variant. On other transcripts: intron variant (2).
Genome position (GRCh38, 1-based): chr2:24,079,445, T>C on the plus strand (A>G on the coding strand, the complement: TP53I3 is on the minus strand). VCF-style: chr2-24079445-T-C. GRCh37 (hg19) VCF-style: chr2-24302315-T-C.
Other names: c.815A>G, p.Lys272Arg (NM_147184.4); c.-289-1431T>C (NM_001291328.2); c.619+1374A>G (NM_001206802.2); short protein forms K272R.
Identifiers: ClinVar variation 4989797 (VCV004989797.1).
Genomic context (GRCh38, chr2:24,079,445, plus strand): 5'-GTAAATGAACCACACTTTTCTGGGTTAAATCACATGTTTTCTTTTCATTCATCACTCACC[T>C]TATTGTCCCTAGACCTCAGCAAACTGGTGATCAGACTTCCTCGCTTAAAAAGTAGCTTTG-3'
Protein context (NP_004872.2, residues 262-282): ITSLLRSRDN[Lys272Arg]YKQMLVNAFT